The following is an entry in ClinVar:

ClinVar aggregate classification (germline): Pathogenic (1 of 4 stars; one submission).

Submission:

GeneDx
Classification: Pathogenic. Last evaluated: 2017-08-17. Review status: criteria provided, single submitter. Criteria: GeneDx Variant Classification (06012015). Collection method: clinical testing. Allele origin: germline. Affected: yes.
Comment: The c.682delA variant in the EHMT1 gene has not been reported previously as a pathogenic variant nor as a benign variant, to our knowledge. The c.682delA variant causes a frameshift starting with codon Arginine 228, changes this amino acid to a Glutamic acid residue, and creates a premature Stop codon at position 54 of the new reading frame, denoted p.Arg228GlufsX54. This variant is predicted to cause loss of normal protein function either through protein truncation or nonsense-mediated mRNA decay. The c.682delA variant is not observed in large population cohorts (Lek et al., 2016; 1000 Genomes Consortium et al., 2015; Exome Variant Server). We interpret c.682delA as a pathogenic variant.

NM_024757.5(EHMT1):c.682del (p.Arg228fs)

Gene: EHMT1 (euchromatic histone lysine methyltransferase 1; plus strand). Cytogenetic location: 9q34.3.
Variant type: Deletion.
Coding change: c.682del on transcript NM_024757.5 (MANE Select); coding-DNA position 682, one base deleted (A; older notation c.682delA).
Protein change: p.Arg228fs; shifts the reading frame from arginine 228.
Molecular consequence: frameshift variant.
Genome position (GRCh38, 1-based): chr9:137,728,388, A deleted. VCF-style (leftmost placement, unchanged base first): chr9-137728387-TA-T. GRCh37 (hg19) VCF-style: chr9-140622839-TA-T.
Other names: c.682del, p.Arg228fs (NM_001145527.2, NM_001354263.2, NM_001354611.2); c.589del, p.Arg197fs (NM_001354259.2, NM_001354612.2); short protein forms R197fs, R228fs.
Identifiers: ClinVar variation 451399 (VCV000451399.2), dbSNP rs1554852597, ClinGen allele CA658657946.